The following is an entry in ClinVar:

NM_153676.4(USH1C):c.2155A>G (p.Met719Val)

Gene: USH1C (USH1 protein network component harmonin; minus strand). Cytogenetic location: 11p15.1.
Variant type: single nucleotide variant.
Coding change: c.2155A>G on transcript NM_153676.4 (MANE Select); coding-DNA position 2155, A replaced by G.
Protein change: p.Met719Val; replaces methionine 719 with valine.
Molecular consequence: missense variant. On other transcripts: intron variant (2).
Genome position (GRCh38, 1-based): chr11:17,504,676, T>C on the plus strand (A>G on the coding strand, the complement: USH1C is on the minus strand). VCF-style: chr11-17504676-T-C. GRCh37 (hg19) VCF-style: chr11-17526223-T-C.
Other names: c.1228-2696A>G (NM_001297764.2); c.1285-2696A>G (NM_005709.4); short protein forms M719V.
Identifiers: ClinVar variation 763802 (VCV000763802.9), dbSNP rs764059609, ClinGen allele CA5904324.

ClinVar aggregate classification (germline): Conflicting classifications of pathogenicity. Review status: criteria provided, conflicting classifications (1 of 4 stars). 2 submissions from 2 submitters: Uncertain significance (1); Likely benign (1). Last evaluated 2024-11-15.

Allele frequency attached by ClinVar (database versions not stated): ExAC 0.00001; gnomAD 0.00001; gnomAD exomes 0.00001; TOPMed 0.00001.
gnomAD v4.1: 19 of 1,612,978 alleles (0.0012%); highest among the groups gnomAD compares: Non-Finnish European, 0.0016%; no homozygotes.

Submissions (2):

GeneDx
Classification: Uncertain significance. Last evaluated: 2024-11-15. Review status: criteria provided, single submitter. Criteria: GeneDx Variant Classification Process June 2021. Collection method: clinical testing. Allele origin: germline. Affected: yes.
Comment: Not observed at significant frequency in large population cohorts (gnomAD); In silico analysis indicates that this missense variant does not alter protein structure/function; Has not been previously published as pathogenic or benign to our knowledge; Reported using an alternate transcript of the gene

Labcorp Genetics (formerly Invitae), Labcorp
Classification: Likely benign. Last evaluated: 2018-07-26. Review status: criteria provided, single submitter. Criteria: Invitae Variant Classification Sherloc (09022015). Collection method: clinical testing. Allele origin: germline.